The following is an entry in ClinVar:

NM_021930.6(RINT1):c.952A>G (p.Arg318Gly)

Gene: RINT1 (RAD50 interactor 1; plus strand). Cytogenetic location: 7q22.3.
Variant type: single nucleotide variant.
Coding change: c.952A>G on transcript NM_021930.6 (MANE Select); coding-DNA position 952, A replaced by G.
Protein change: p.Arg318Gly; replaces arginine 318 with glycine.
Molecular consequence: missense variant. On other transcripts: 5 prime UTR variant (1), non-coding transcript variant (1), intron variant (1).
Genome position (GRCh38, 1-based): chr7:105,548,666, A>G. VCF-style: chr7-105548666-A-G. GRCh37 (hg19) VCF-style: chr7-105189113-A-G.
Other names: c.718A>G, p.Arg240Gly (NM_001346599.2); c.-68A>G (NM_001346600.2); c.28A>G, p.Arg10Gly (NM_001346601.2); c.-27-1389A>G (NM_001346603.2); short protein forms R10G, R318G, R240G.
Identifiers: ClinVar variation 1039361 (VCV001039361.8), dbSNP rs1790789595, ClinGen allele CA368808053.
Genomic context (GRCh38, chr7:105,548,666, plus strand): 5'-GCCTCCCCTTCTGTCATCCTGCCCATCCAGGTTATGCTGACTCCTCTTCAGAAGAGGTTC[A>G]GGTATCACTTCAGAGGGAACCGGCAGACTAATGTGTTAAGCAAGGTGTGTTTTGCCAGCT-3'
Protein context (NP_068749.3, residues 308-328): VMLTPLQKRF[Arg318Gly]YHFRGNRQTN

ClinVar aggregate classification (germline): Uncertain significance (1 of 4 stars; one submission).

Submission:

Labcorp Genetics (formerly Invitae), Labcorp
Classification: Uncertain significance. Last evaluated: 2020-02-11. Review status: criteria provided, single submitter. Criteria: Invitae Variant Classification Sherloc (09022015). Collection method: clinical testing. Allele origin: germline.
Comment: This sequence change replaces arginine with glycine at codon 318 of the RINT1 protein (p.Arg318Gly). The arginine residue is highly conserved and there is a moderate physicochemical difference between arginine and glycine. This variant is not present in population databases (ExAC no frequency). This variant has not been reported in the literature in individuals with RINT1-related conditions. Algorithms developed to predict the effect of missense changes on protein structure and function are either unavailable or do not agree on the potential impact of this missense change (SIFT: "Deleterious"; PolyPhen-2: "Possibly Damaging"; Align-GVGD: "Class C15"). In summary, the available evidence is currently insufficient to determine the role of this variant in disease. Therefore, it has been classified as a Variant of Uncertain Significance.